The following is an entry in ClinVar:

NM_020461.4(TUBGCP6):c.1734A>C (p.Lys578Asn)

Gene: TUBGCP6 (tubulin gamma complex component 6; minus strand). Cytogenetic location: 22q13.33.
Variant type: single nucleotide variant.
Coding change: c.1734A>C on transcript NM_020461.4 (MANE Select); coding-DNA position 1734, A replaced by C.
Protein change: p.Lys578Asn; replaces lysine 578 with asparagine.
Molecular consequence: missense variant.
Genome position (GRCh38, 1-based): chr22:50,226,149, T>G on the plus strand (A>C on the coding strand, the complement: TUBGCP6 is on the minus strand). VCF-style: chr22-50226149-T-G. GRCh37 (hg19) VCF-style: chr22-50664578-T-G.
Other names: c.1734A>C (NM_020461.3); short protein forms K578N.
Identifiers: ClinVar variation 1519870 (VCV001519870.7), dbSNP rs2147188196, ClinGen allele CA412105571.

ClinVar aggregate classification (germline): Uncertain significance. Review status: criteria provided, multiple submitters, no conflicts (2 of 4 stars). 2 submissions from 2 submitters: Uncertain significance (2). Last evaluated 2025-08-20.

Conditions:
Inborn genetic diseases. Identifiers: MedGen C0950123, MeSH D030342.

gnomAD v4.1: 2 of 1,614,140 alleles (0.00012%); highest among the groups gnomAD compares: Admixed American, 0.0017%; no homozygotes.

Submissions (2):

Ambry Genetics
Classification: Uncertain significance for Inborn genetic diseases. Last evaluated: 2025-08-20. Review status: criteria provided, single submitter. Criteria: Ambry Variant Classification Scheme 2023. Collection method: clinical testing. Allele origin: germline.

Labcorp Genetics (formerly Invitae), Labcorp
Classification: Uncertain significance. Last evaluated: 2022-05-21. Review status: criteria provided, single submitter. Criteria: Invitae Variant Classification Sherloc (09022015). Collection method: clinical testing. Allele origin: germline.
Comment: In summary, the available evidence is currently insufficient to determine the role of this variant in disease. Therefore, it has been classified as a Variant of Uncertain Significance. Algorithms developed to predict the effect of missense changes on protein structure and function are either unavailable or do not agree on the potential impact of this missense change (SIFT: "Deleterious"; PolyPhen-2: "Possibly Damaging"; Align-GVGD: "Class C0"). This variant has not been reported in the literature in individuals affected with TUBGCP6-related conditions. This variant is not present in population databases (gnomAD no frequency). This sequence change replaces lysine, which is basic and polar, with asparagine, which is neutral and polar, at codon 578 of the TUBGCP6 protein (p.Lys578Asn).